The following is an entry in ClinVar:

ClinVar aggregate classification (germline): Uncertain significance (1 of 4 stars; one submission).

gnomAD v4.1: 5 of 1,613,430 alleles (0.00031%); highest among the groups gnomAD compares: Non-Finnish European, 0.00042%; no homozygotes.

Submission:

Labcorp Genetics (formerly Invitae), Labcorp
Classification: Uncertain significance. Last evaluated: 2022-10-26. Review status: criteria provided, single submitter. Criteria: Invitae Variant Classification Sherloc (09022015). Collection method: clinical testing. Allele origin: germline.
Comment: This sequence change replaces methionine, which is neutral and non-polar, with arginine, which is basic and polar, at codon 732 of the SLC12A1 protein (p.Met732Arg). This variant is not present in population databases (gnomAD no frequency). This variant has not been reported in the literature in individuals affected with SLC12A1-related conditions. Advanced modeling of protein sequence and biophysical properties (such as structural, functional, and spatial information, amino acid conservation, physicochemical variation, residue mobility, and thermodynamic stability) performed at Invitae indicates that this missense variant is expected to disrupt SLC12A1 protein function. In summary, the available evidence is currently insufficient to determine the role of this variant in disease. Therefore, it has been classified as a Variant of Uncertain Significance.

NM_000338.3(SLC12A1):c.2195T>G (p.Met732Arg)

Gene: SLC12A1 (solute carrier family 12 member 1; plus strand). Cytogenetic location: 15q21.1.
Variant type: single nucleotide variant.
Coding change: c.2195T>G on transcript NM_000338.3 (MANE Select); coding-DNA position 2195, T replaced by G.
Protein change: p.Met732Arg; replaces methionine 732 with arginine.
Molecular consequence: missense variant.
Genome position (GRCh38, 1-based): chr15:48,267,601, T>G. VCF-style: chr15-48267601-T-G. GRCh37 (hg19) VCF-style: chr15-48559798-T-G.
Other names: c.2195T>G, p.Met732Arg (NM_001184832.2, NM_001384136.1); short protein forms M732R.
Identifiers: ClinVar variation 2026894 (VCV002026894.1), dbSNP rs560432597, ClinGen allele CA392315049.